The following is an entry in ClinVar:

NM_000545.8(HNF1A):c.326+1G>T

Gene: HNF1A (HNF1 homeobox A; plus strand). Cytogenetic location: 12q24.31.
Variant type: single nucleotide variant.
Coding change: c.326+1G>T on transcript NM_000545.8 (MANE Select); the canonical splice donor site of the intron after coding-DNA position 326, G replaced by T.
Molecular consequence: splice donor variant.
Genome position (GRCh38, 1-based): chr12:120,979,095, G>T. VCF-style: chr12-120979095-G-T. GRCh37 (hg19) VCF-style: chr12-121416898-G-T.
Other names: NM_001306179.2:c.326+1G>T; c.326+1G>T (NM_001306179.2, NM_001406915.1).
Identifiers: ClinVar variation 1338520 (VCV001338520.5), dbSNP rs2135820424, ClinGen allele CA386954959.

ClinVar aggregate classification (germline): Pathogenic. Review status: reviewed by expert panel (3 of 4 stars). 2 submissions from 2 submitters: Pathogenic (1). 1 of the submissions does not count toward it. Last evaluated 2022-06-10.

Conditions:
Monogenic diabetes. Identifiers: Orphanet 183625, MedGen C3888631, MONDO:0015967.

Submissions (2):

ClinGen Monogenic Diabetes Variant Curation Expert Panel
Classification: Pathogenic for Monogenic diabetes. Last evaluated: 2022-06-10. Review status: reviewed by expert panel. Criteria: ClinGen Diabetes ACMG Specifications v1 1. Collection method: curation. Allele origin: germline. Inheritance: Autosomal dominant inheritance.
Comment: The c.326+1G>T variant in the HNF1 homeobox A gene, HNF1A, is predicted to remove a canonical splice donor site in intron 1 of NM_000545.8. This variant is predicted to cause skipping of biologically-relevant exon 1 of 10, resulting in a frameshift, leading to nonsense mediated decay in a gene in which loss-of-function is an established disease mechanism (PVS1; PMID: 23348805). Additionally, this variant was identified in an individual with a clinical history highly specific for HNF1A-MODY (MODY probability calculator result >50%, negative genetic testing for HNF4A, and persistent positive C- peptide) (PP4_Moderate; internal lab contributors). The c.326+1G>A and c.326+1G>C variants at the same canonical nucleotide have been classified as pathogenic for monogenic diabetes by the ClinGen MDEP, and c.326+1G>T has a similar predicted impact on donor loss by Splice AI (0.98) (PS1_Supporting). Lastly, this variant is absent from gnomAD v2.1.1 (PM2_Supporting). In summary, c.326+1G>T meets the criteria to be classified as pathogenic for monogenic diabetes. ACMG/AMP criteria applied, as specified by the ClinGen MDEP (specification version 1.1 approved 9/30/21): PVS1, PS1_Supporting, PP4_Moderate, PM2_Supporting.

Genetic Services Laboratory, University of Chicago
Classification: Pathogenic. Last evaluated: 2019-04-30. Review status: criteria provided, single submitter. Criteria: ACMG Guidelines, 2015. Collection method: clinical testing. Allele origin: germline. Affected: yes. Not counted in ClinVar's aggregate classification.